The following is an entry in ClinVar:

ClinVar aggregate classification (germline): Uncertain significance. Review status: criteria provided, multiple submitters, no conflicts (2 of 4 stars). 6 submissions from 6 submitters: Uncertain significance (6). Last evaluated 2025-12-03.

Conditions:
PKHD1-related disorder. Also called: PKHD1-related condition.
Polycystic kidney disease 4 (PKD4). Also called: POLYCYSTIC KIDNEY DISEASE 4 WITH OR WITHOUT POLYCYSTIC LIVER DISEASE; Autosomal Recessive Polycystic Kidney Disease – PKHD1; PKD3; POLYCYSTIC KIDNEY AND HEPATIC DISEASE 1; POLYCYSTIC KIDNEY DISEASE, INFANTILE, TYPE I. Identifiers: MedGen C4540575, MONDO:0033004, OMIM 263200.

Allele frequency attached by ClinVar (database versions not stated): gnomAD 0.00004 and 0.00005; TOPMed 0.00004; ExAC 0.00005; gnomAD exomes 0.00006; 1000 Genomes Project 30x 0.00031; 1000 Genomes Project 0.00040.
gnomAD v4.1: 87 of 1,613,950 alleles (0.0054%); highest among the groups gnomAD compares: South Asian, 0.0088%; no homozygotes.

Submissions (6):

GeneDx
Classification: Uncertain significance. Last evaluated: 2025-12-03. Review status: criteria provided, single submitter. Criteria: GeneDx Variant Classification Process June 2021. Collection method: clinical testing. Allele origin: germline. Affected: yes.
Comment: Observed in a patient with infantile cholestasis and congenital hepatic fibrosis in published literature (PMID: 25771912); In silico analysis supports that this missense variant has a deleterious effect on protein structure/function; This variant is associated with the following publications: (PMID: 25771912)

Mayo Clinic Laboratories, Mayo Clinic
Classification: Uncertain significance. Last evaluated: 2025-11-23. Review status: criteria provided, single submitter. Criteria: ACMG Guidelines, 2015. Collection method: clinical testing. Allele origin: germline. Observed: 1 variant allele.
Comment: BP4

PreventionGenetics, part of Exact Sciences
Classification: Uncertain significance for PKHD1-related condition. Last evaluated: 2025-07-10. Review status: criteria provided, single submitter. Criteria: ACMG Guidelines, 2015. Collection method: clinical testing. Allele origin: germline.
Comment: The PKHD1 c.2330C>T variant is predicted to result in the amino acid substitution p.Thr777Met. This variant has been reported along with a second PKHD1 variant in a patient with cholestasis, but the clinical significance and the phasing of the variants is unknown (Herbst et al. 2015. PubMed ID: 25771912). This variant is reported in 0.016% of alleles in individuals of South Asian descent in gnomAD. At this time, the clinical significance of this variant is uncertain due to the absence of conclusive functional and genetic evidence.

Fulgent Genetics
Classification: Uncertain significance for Polycystic kidney disease 4. Last evaluated: 2024-01-09. Review status: criteria provided, single submitter. Criteria: ACMG Guidelines, 2015. Collection method: clinical testing. Allele origin: germline.

Blueprint Genetics
Classification: Uncertain significance. Last evaluated: 2023-10-24. Review status: criteria provided, single submitter. Criteria: ACMG Guidelines, 2015. Collection method: clinical testing. Allele origin: germline.

Eurofins Ntd Llc (ga)
Classification: Uncertain significance. Last evaluated: 2017-07-11. Review status: criteria provided, single submitter. Criteria: EGL Classification Definitions 2015. Collection method: clinical testing. Allele origin: germline. Observed: 1 variant allele, 1 heterozygote.

Literature cited by the submitters: PubMed 25771912 (cited by Mayo Clinic Laboratories, Mayo Clinic).

NM_138694.4(PKHD1):c.2330C>T (p.Thr777Met)

Gene: PKHD1 (PKHD1 ciliary IPT domain containing fibrocystin/polyductin; minus strand). Cytogenetic location: 6p12.2.
Variant type: single nucleotide variant.
Coding change: c.2330C>T on transcript NM_138694.4 (MANE Select); coding-DNA position 2330, C replaced by T.
Protein change: p.Thr777Met; replaces threonine 777 with methionine.
Molecular consequence: missense variant.
Genome position (GRCh38, 1-based): chr6:52,048,569, G>A on the plus strand (C>T on the coding strand, the complement: PKHD1 is on the minus strand). VCF-style: chr6-52048569-G-A. GRCh37 (hg19) VCF-style: chr6-51913367-G-A.
Other names: p.Thr777Met; c.2330C>T, p.Thr777Met (NM_170724.3); short protein forms T777M.
Identifiers: ClinVar variation 593129 (VCV000593129.15), dbSNP rs564240823, ClinGen allele CA3853249.